The following is an entry in ClinVar:

NM_002691.4(POLD1):c.1873G>A (p.Gly625Arg)

Gene: POLD1 (DNA polymerase delta 1, catalytic subunit; plus strand). Cytogenetic location: 19q13.33.
Variant type: single nucleotide variant.
Coding change: c.1873G>A on transcript NM_002691.4 (MANE Select); coding-DNA position 1873, G replaced by A.
Protein change: p.Gly625Arg; replaces glycine 625 with arginine.
Molecular consequence: missense variant. On other transcripts: non-coding transcript variant (1).
Genome position (GRCh38, 1-based): chr19:50,408,882, G>A. VCF-style: chr19-50408882-G-A. GRCh37 (hg19) VCF-style: chr19-50912139-G-A.
Other names: c.1873G>A, p.Gly625Arg (NM_001256849.1); c.1951G>A, p.Gly651Arg (NM_001308632.1); short protein forms G625R, G651R.
Identifiers: ClinVar variation 408057 (VCV000408057.20), dbSNP rs1060501836, ClinGen allele CA16616386.
Genomic context (GRCh38, chr19:50,408,882, plus strand): 5'-TCGCTGTACCCGTCCATCATGATGGCCCACAACCTGTGTTACACCACGCTCCTTCGGCCC[G>A]GGACTGCACAGAAACTGGGGTATAGTGCCCAATTCAGCATGTGTCCCCCGAGGCCCATCT-3'
Protein context (NP_002682.2, residues 615-635): NLCYTTLLRP[Gly625Arg]TAQKLGLTED

ClinVar aggregate classification (germline): Uncertain significance. Review status: criteria provided, multiple submitters, no conflicts (2 of 4 stars). 5 submissions from 5 submitters: Uncertain significance (5). Last evaluated 2026-03-13.

Conditions:
Familial colorectal cancer type X. Identifiers: Orphanet 440437, MedGen C3896578, MONDO:0018604.
Polymerase proofreading-related adenomatous polyposis. Also called: Polymerase proofreading associated polyposis; Polymerase proofreading–associated polyposis (PPAP). Identifiers: Orphanet 447877, MedGen C5202613, MONDO:0018653.
Hereditary cancer-predisposing syndrome. Also called: Neoplastic Syndromes, Hereditary; Hereditary neoplastic syndrome; Hereditary Cancer Syndrome; Tumor predisposition. Identifiers: Orphanet 140162, MedGen C0027672, MeSH D009386, MONDO:0015356.
POLD1-related polyposis and colorectal cancer syndrome (CRCS10). Also called: Colorectal cancer, susceptibility to, 10; Colorectal cancer 10; COLORECTAL CANCER, SUSCEPTIBILITY TO, ON CHROMOSOME 19q. Identifiers: Orphanet 220460, MedGen C2675481, MONDO:0012953, OMIM 612591.

Allele frequency attached by ClinVar (database versions not stated): gnomAD exomes below 0.00001 and 0.00001; gnomAD 0.00001; TOPMed 0.00001.
gnomAD v4.1: 5 of 1,611,952 alleles (0.00031%); highest among the groups gnomAD compares: South Asian, 0.0022%; no homozygotes.

Submissions (5):

Ambry Genetics
Classification: Uncertain significance for Hereditary cancer-predisposing syndrome. Last evaluated: 2026-03-13. Review status: criteria provided, single submitter. Criteria: Ambry Variant Classification Scheme 2023. Collection method: clinical testing. Allele origin: germline.
Comment: The c.1873G>A (p.G625R) alteration is located in exon 15 (coding exon 14) of the POLD1 gene. This alteration results from a G to A substitution at nucleotide position 1873, causing the glycine (G) at amino acid position 625 to be replaced by an arginine (R). Based on data from gnomAD, the A allele has an overall frequency of 0.001% (2/248642) total alleles studied. The highest observed frequency was 0.003% (1/30282) of South Asian alleles. Based on insufficient or conflicting evidence, the clinical significance of this alteration remains unclear.

Labcorp Genetics (formerly Invitae), Labcorp
Classification: Uncertain significance for POLD1-related polyposis and colorectal cancer syndrome. Last evaluated: 2026-01-14. Review status: criteria provided, single submitter. Criteria: Invitae Variant Classification Sherloc (09022015). Collection method: clinical testing. Allele origin: germline.
Comment: This sequence change replaces glycine, which is neutral and non-polar, with arginine, which is basic and polar, at codon 625 of the POLD1 protein (p.Gly625Arg). This variant is present in population databases (no rsID available, gnomAD 0.003%). This variant has not been reported in the literature in individuals affected with POLD1-related conditions. ClinVar contains an entry for this variant (Variation ID: 408057). Invitae Evidence Modeling of protein sequence and biophysical properties (such as structural, functional, and spatial information, amino acid conservation, physicochemical variation, residue mobility, and thermodynamic stability) indicates that this missense variant is not expected to disrupt POLD1 protein function with a negative predictive value of 80%. In summary, the available evidence is currently insufficient to determine the role of this variant in disease. Therefore, it has been classified as a Variant of Uncertain Significance.

Department of Pathology and Laboratory Medicine, Sinai Health System
Classification: Uncertain significance for Polymerase proofreading-related adenomatous polyposis; Familial colorectal cancer type X. Last evaluated: 2022-08-04. Review status: criteria provided, single submitter. Criteria: ACMG Guidelines, 2015. Collection method: clinical testing. Allele origin: germline. Affected: yes.

GeneDx
Classification: Uncertain significance. Last evaluated: 2021-07-19. Review status: criteria provided, single submitter. Criteria: GeneDx Variant Classification Process June 2021. Collection method: clinical testing. Allele origin: germline. Affected: yes.
Comment: Has not been previously published as pathogenic or benign to our knowledge; Not observed at significant frequency in large population cohorts (Lek 2016); In silico analysis, which includes protein predictors and evolutionary conservation, supports that this variant does not alter protein structure/function; In silico analysis, which includes splice predictors and evolutionary conservation, suggests this variant may impact gene splicing. In the absence of RNA/functional studies, the actual effect of this sequence change is unknown.; This variant is associated with the following publications: (PMID: 27535533)

Dubai Health Genomic Medicine Center, Dubai Health
Classification: Uncertain significance for POLD1-related polyposis and colorectal cancer syndrome. Last evaluated: 2020-12-09. Review status: criteria provided, single submitter. Criteria: ACMG Guidelines, 2015. Collection method: clinical testing. Allele origin: germline. Affected: yes.
Comment: The p.Gly625Arg missense variant in POLD1 has not been previously reported in affected individuals but was identified in 2/248642 (0.0008% 0 homozygotes) total alleles in the Genome Aggregation Database (gnomAD). Computational prediction tools and conservation analysis suggest an impact to protein function though this information is not predictive enough to confirm pathogenicity. In summary more information is needed to fully assess the clinical significance of this variant.